The following is an entry in ClinVar:

ClinVar aggregate classification (germline): Uncertain significance (1 of 4 stars; one submission).

Conditions:
Hereditary cancer-predisposing syndrome. Also called: Neoplastic Syndromes, Hereditary; Tumor predisposition; Hereditary Cancer Syndrome; Hereditary neoplastic syndrome. Identifiers: Orphanet 140162, MedGen C0027672, MeSH D009386, MONDO:0015356.

Submission:

Ambry Genetics
Classification: Uncertain significance for Hereditary cancer-predisposing syndrome. Last evaluated: 2025-12-30. Review status: criteria provided, single submitter. Criteria: Ambry Variant Classification Scheme 2023. Collection method: clinical testing. Allele origin: germline.
Comment: The c.3696_3698delGAA variant (also known as p.K1232del) is located in coding exon 19 of the BRIP1 gene. This variant results from an in-frame GAA deletion at nucleotide positions 3696 to 3698. This results in the in-frame deletion of a lysine at codon 1232. This amino acid position is not well conserved in available vertebrate species. In addition, this variant is predicted to be neutral by in silico analysis (Choi Y et al. PLoS ONE. 2012; 7(10):e46688). Based on the available evidence, the clinical significance of this variant remains unclear.

NM_032043.3(BRIP1):c.3696_3698del (p.Lys1232del)

Gene: BRIP1 (BRCA1 interacting DNA helicase 1; minus strand). Cytogenetic location: 17q23.2.
Variant type: Deletion.
Coding change: c.3696_3698del on transcript NM_032043.3 (MANE Select); coding-DNA positions 3696 to 3698, 3 bases deleted (GAA; older notation c.3696_3698delGAA).
Protein change: p.Lys1232del; deletes lysine 1232.
Molecular consequence: inframe indel (on NM_032043.2).
Genome position (GRCh38, 1-based): chr17:61,683,348-61,683,350, TTC deleted on the plus strand (GAA on the coding strand, the reverse complement: BRIP1 is on the minus strand); deleting any 3 consecutive bases within chr17:61,683,348-61,683,352 gives the same sequence; the c. name uses the placement nearest the transcript's 3' end. VCF-style (leftmost placement, unchanged base first): chr17-61683347-GTTC-G. GRCh37 (hg19) VCF-style: chr17-59760708-GTTC-G.
Other names: c.3696_3698delGAA (NM_032043.2); short protein forms K1232del.
Identifiers: ClinVar variation 4842394 (VCV004842394.1).